The following is an entry in ClinVar:

ClinVar aggregate classification (germline): Uncertain significance. Review status: criteria provided, multiple submitters, no conflicts (2 of 4 stars). 2 submissions from 2 submitters: Uncertain significance (2). Last evaluated 2025-05-05.

Conditions:
Congenital disorder of glycosylation type Ir (CDG1R). Also called: DDOST-congenital disorder of glycosylation. Identifiers: Orphanet 300536, MedGen C3281084, MONDO:0013789, OMIM 614507.

Allele frequency attached by ClinVar (database versions not stated): gnomAD 0.00001; gnomAD exomes 0.00001; ExAC 0.00002; TOPMed 0.00002.

Submissions (2):

Labcorp Genetics (formerly Invitae), Labcorp
Classification: Uncertain significance for Congenital disorder of glycosylation type Ir. Last evaluated: 2025-05-05. Review status: criteria provided, single submitter. Criteria: Invitae Variant Classification Sherloc (09022015). Collection method: clinical testing. Allele origin: germline.
Comment: This sequence change replaces alanine, which is neutral and non-polar, with threonine, which is neutral and polar, at codon 432 of the DDOST protein (p.Ala432Thr). This variant is present in population databases (rs781312902, gnomAD 0.006%). This variant has not been reported in the literature in individuals affected with DDOST-related conditions. ClinVar contains an entry for this variant (Variation ID: 2149781). Invitae Evidence Modeling of protein sequence and biophysical properties (such as structural, functional, and spatial information, amino acid conservation, physicochemical variation, residue mobility, and thermodynamic stability) indicates that this missense variant is not expected to disrupt DDOST protein function with a negative predictive value of 80%. In summary, the available evidence is currently insufficient to determine the role of this variant in disease. Therefore, it has been classified as a Variant of Uncertain Significance.

Ambry Genetics
Classification: Uncertain significance. Last evaluated: 2022-11-08. Review status: criteria provided, single submitter. Criteria: Ambry Variant Classification Scheme 2023. Collection method: clinical testing. Allele origin: germline.

NM_005216.5(DDOST):c.1243G>A (p.Ala415Thr)

Gene: DDOST (dolichyl-diphosphooligosaccharide--protein glycosyltransferase non-catalytic subunit; minus strand). Cytogenetic location: 1p36.12.
Variant type: single nucleotide variant.
Coding change: c.1243G>A on transcript NM_005216.5 (MANE Select); coding-DNA position 1243, G replaced by A.
Protein change: p.Ala415Thr; replaces alanine 415 with threonine.
Molecular consequence: missense variant.
Genome position (GRCh38, 1-based): chr1:20,652,456, C>T on the plus strand (G>A on the coding strand, the complement: DDOST is on the minus strand). VCF-style: chr1-20652456-C-T. GRCh37 (hg19) VCF-style: chr1-20978949-C-T.
Other names: c.1294G>A (NM_005216.4); short protein forms A415T.
Identifiers: ClinVar variation 2149781 (VCV002149781.5), dbSNP rs781312902, ClinGen allele CA660977.